The following is an entry in ClinVar:

NM_000642.3(AGL):c.2465G>A (p.Gly822Glu)

Gene: AGL (amylo-alpha-1,6-glucosidase and 4-alpha-glucanotransferase; plus strand). Cytogenetic location: 1p21.2.
Variant type: single nucleotide variant.
Coding change: c.2465G>A on transcript NM_000642.3 (MANE Select); coding-DNA position 2465, G replaced by A.
Protein change: p.Gly822Glu; replaces glycine 822 with glutamic acid.
Molecular consequence: missense variant.
Genome position (GRCh38, 1-based): chr1:99,884,370, G>A. VCF-style: chr1-99884370-G-A. GRCh37 (hg19) VCF-style: chr1-100349926-G-A.
Other names: c.2465G>A, p.Gly822Glu (NM_000028.3, NM_000643.3, NM_000644.3 and 2 more transcripts); c.2417G>A, p.Gly806Glu (NM_000646.3); c.2264G>A, p.Gly755Glu (NM_001425327.1); c.2261G>A, p.Gly754Glu (NM_001425328.1, NM_001425329.1); c.2087G>A, p.Gly696Glu (NM_001425332.1); short protein forms G806E, G822E, G696E, G754E, G755E.
Identifiers: ClinVar variation 1377494 (VCV001377494.7), dbSNP rs752820851, ClinGen allele CA341321117.
Genomic context (GRCh38, chr1:99,884,370, plus strand): 5'-TGGATTTTTTTAATGTACTTTTTTTCAAGCTTAATGAAAGTAAAATTGTTAAACAAGCTG[G>A]AGTTGCCACAAAAGGGCCCAATGAATATATTCAAGAAATAGAATTTGAAAACTTGTCTCC-3'
Protein context (NP_000633.2, residues 812-832): LNESKIVKQA[Gly822Glu]VATKGPNEYI

ClinVar aggregate classification (germline): Uncertain significance. Review status: criteria provided, multiple submitters, no conflicts (2 of 4 stars). 2 submissions from 2 submitters: Uncertain significance (2). Last evaluated 2022-10-24.

Conditions:
Glycogen storage disease type III (GSD3). Also called: FORBES DISEASE; Cori disease. Identifiers: Orphanet 366, MedGen C0017922, MONDO:0009291, OMIM 232400.

gnomAD v4.1: 1 of 1,612,876 alleles (0.000062%); highest among the groups gnomAD compares: Non-Finnish European, 0.000085%; no homozygotes.

Submissions (2):

Labcorp Genetics (formerly Invitae), Labcorp
Classification: Uncertain significance for Glycogen storage disease type III. Last evaluated: 2022-10-24. Review status: criteria provided, single submitter. Criteria: Invitae Variant Classification Sherloc (09022015). Collection method: clinical testing. Allele origin: germline.
Comment: This sequence change replaces glycine, which is neutral and non-polar, with glutamic acid, which is acidic and polar, at codon 822 of the AGL protein (p.Gly822Glu). This variant is not present in population databases (gnomAD no frequency). This variant has not been reported in the literature in individuals affected with AGL-related conditions. ClinVar contains an entry for this variant (Variation ID: 1377494). Algorithms developed to predict the effect of missense changes on protein structure and function are either unavailable or do not agree on the potential impact of this missense change (SIFT: "Deleterious"; PolyPhen-2: "Benign"; Align-GVGD: "Class C0"). In summary, the available evidence is currently insufficient to determine the role of this variant in disease. Therefore, it has been classified as a Variant of Uncertain Significance.

Blueprint Genetics
Classification: Uncertain significance. Last evaluated: 2021-10-05. Review status: criteria provided, single submitter. Criteria: ACMG Guidelines, 2015. Collection method: clinical testing. Allele origin: germline.